The following is an entry in ClinVar:

ClinVar aggregate classification (germline): Benign (1 of 4 stars; one submission).

gnomAD v4.1: 1,572 of 1,556,848 alleles (0.1%); highest among the groups gnomAD compares: Non-Finnish European, 0.077%; 9 homozygotes.

Submission:

CeGaT Center for Human Genetics Tuebingen
Classification: Benign. Last evaluated: 2024-07-01. Review status: criteria provided, single submitter. Criteria: CeGaT Center For Human Genetics Tuebingen Variant Classification Criteria Version 2. Collection method: clinical testing. Allele origin: germline. Affected: yes. Observed: 1 variant allele.
Comment: BAIAP3: BS1, BS2

NM_001199097.2(BAIAP3):c.-11+965T>C

Gene: BAIAP3 (BAI1 associated protein 3; plus strand). Cytogenetic location: 16p13.3.
Variant type: single nucleotide variant.
Coding change: c.-11+965T>C on transcript NM_001199097.2 (MANE Select); 965 bases into the intron after 11 bases upstream of the start codon, T replaced by C.
Molecular consequence: intron variant. On other transcripts: missense variant (1).
Genome position (GRCh38, 1-based): chr16:1,334,714, T>C. VCF-style: chr16-1334714-T-C. GRCh37 (hg19) VCF-style: chr16-1384715-T-C.
Other names: c.53T>C, p.Leu18Pro (NM_003933.5); c.-11+965T>C (NM_001286464.2, NM_001199098.2, NM_001199099.2); short protein forms L18P.
Identifiers: ClinVar variation 3257643 (VCV003257643.17).
Genomic context (GRCh38, chr16:1,334,714, plus strand): 5'-CGACTGGAATGAGACCCCGGGGAGCAGCGTTTGCAGCGGGCCCGCCAGGTGACCTGCACC[T>C]GGGCACCGCCATCGGCTTCGCAGGGGCCATCTGGAGGAGTCGGTGAGACCAGGGAGAGAT-3'